The following is an entry in ClinVar:

NM_000384.3(APOB):c.6100A>G (p.Ile2034Val)

Gene: APOB (apolipoprotein B; minus strand). Cytogenetic location: 2p24.1.
Variant type: single nucleotide variant.
Coding change: c.6100A>G on transcript NM_000384.3 (MANE Select); coding-DNA position 6100, A replaced by G.
Protein change: p.Ile2034Val; replaces isoleucine 2034 with valine.
Molecular consequence: missense variant.
Genome position (GRCh38, 1-based): chr2:21,010,768, T>C on the plus strand (A>G on the coding strand, the complement: APOB is on the minus strand). VCF-style: chr2-21010768-T-C. GRCh37 (hg19) VCF-style: chr2-21233640-T-C.
Other names: short protein forms I2034V.
Identifiers: ClinVar variation 971791 (VCV000971791.14), dbSNP rs200339216, ClinGen allele CA062891.

ClinVar aggregate classification (germline): Conflicting classifications of pathogenicity. Review status: criteria provided, conflicting classifications (1 of 4 stars). 4 submissions from 4 submitters: Uncertain significance (2); Likely benign (2). Last evaluated 2024-07-19.

Conditions:
Familial hypobetalipoproteinemia 1. Also called: APOB-Related Familial Hypobetalipoproteinemia; Hypobetalipoproteinemia, normotriglyceridemic; Acanthocytosis with hypobetalipoproteinemia. Identifiers: MedGen C4551990, MONDO:0014252, OMIM 615558.
Hypercholesterolemia, autosomal dominant, type B (FHCL2). Also called: Familial Hypercholesterolemia Type B; APOLIPOPROTEIN B-100, FAMILIAL DEFECTIVE; APOLIPOPROTEIN B-100, FAMILIAL LIGAND-DEFECTIVE; APOB-Related Familial Hypercholesterolemia, Autosomal Dominant; Familial hypercholesterolemia 2; Hyperlipoproteinemia Type IIb. Identifiers: MedGen C1704417, MONDO:0007751, OMIM 144010.
Cardiovascular phenotype. Identifiers: MedGen CN230736.

Allele frequency attached by ClinVar (database versions not stated): gnomAD 0.00003 and 0.00004; TOPMed 0.00003; ExAC 0.00005; gnomAD exomes 0.00006; ESP Exome Variant Server 0.00008.
gnomAD v4.1: 89 of 1,614,084 alleles (0.0055%); highest among the groups gnomAD compares: Admixed American, 0.022%; no homozygotes.

Submissions (4):

Labcorp Genetics (formerly Invitae), Labcorp
Classification: Likely benign for Familial hypobetalipoproteinemia 1; Hypercholesterolemia, autosomal dominant, type B. Last evaluated: 2024-07-19. Review status: criteria provided, single submitter. Criteria: Invitae Variant Classification Sherloc (09022015). Collection method: clinical testing. Allele origin: germline.

Quest Diagnostics Nichols Institute San Juan Capistrano
Classification: Uncertain significance. Last evaluated: 2023-03-02. Review status: criteria provided, single submitter. Criteria: Quest Diagnostics criteria. Collection method: clinical testing. Allele origin: unknown.
Comment: To the best of our knowledge, the variant has not been reported in the published literature. The frequency of this variant in the general population, 0.0002 (7/34578 chromosomes), is uninformative in assessment of its pathogenicity. Analysis of this variant using bioinformatics tools for the prediction of the effect of amino acid changes on protein structure and function yielded predictions that this variant is benign. Based on the available information, we are unable to determine the clinical significance of this variant.

Ambry Genetics
Classification: Likely benign for Cardiovascular phenotype. Last evaluated: 2022-06-21. Review status: criteria provided, single submitter. Criteria: Ambry Variant Classification Scheme 2023. Collection method: clinical testing. Allele origin: germline.

Fulgent Genetics
Classification: Uncertain significance for Hypercholesterolemia, autosomal dominant, type B; Familial hypobetalipoproteinemia 1. Last evaluated: 2021-08-09. Review status: criteria provided, single submitter. Criteria: ACMG Guidelines, 2015. Collection method: clinical testing. Allele origin: unknown.